The following is an entry in ClinVar:

ClinVar aggregate classification (germline): Uncertain significance. Review status: criteria provided, single submitter (1 of 4 stars). 2 submissions from 2 submitters: Uncertain significance (1). 1 of the submissions does not count toward it. Last evaluated 2024-06-01.

Conditions:
Becker muscular dystrophy, Cardiomyopathy, Duchenne muscular dystrophy, Dystrophin deficiency.
Duchenne muscular dystrophy (DMD). Also called: MUSCULAR DYSTROPHY, PSEUDOHYPERTROPHIC PROGRESSIVE, DUCHENNE TYPE; Duchenne Muscular Dystrophy (DMD). Identifiers: Orphanet 98896, MedGen C0013264, MONDO:0010679, OMIM 310200.

Submissions (2):

Labcorp Genetics (formerly Invitae), Labcorp
Classification: Uncertain significance for Duchenne muscular dystrophy. Last evaluated: 2024-06-01. Review status: criteria provided, single submitter. Criteria: Invitae Variant Classification Sherloc (09022015). Collection method: clinical testing. Allele origin: germline.
Comment: This sequence change replaces tryptophan, which is neutral and slightly polar, with glycine, which is neutral and non-polar, at codon 1249 of the DMD protein (p.Trp1249Gly). This variant is not present in population databases (gnomAD no frequency). This variant has not been reported in the literature in individuals affected with DMD-related conditions. Advanced modeling of protein sequence and biophysical properties (such as structural, functional, and spatial information, amino acid conservation, physicochemical variation, residue mobility, and thermodynamic stability) performed at Invitae indicates that this missense variant is not expected to disrupt DMD protein function with a negative predictive value of 95%. In summary, the available evidence is currently insufficient to determine the role of this variant in disease. Therefore, it has been classified as a Variant of Uncertain Significance.

Natera, Inc.
Classification: Uncertain significance for Becker muscular dystrophy, Cardiomyopathy, Duchenne muscular dystrophy, Dystrophin deficiency. Last evaluated: 2025-01-27. Review status: no assertion criteria provided. Collection method: clinical testing. Allele origin: germline. Not counted in ClinVar's aggregate classification.

NM_004006.3(DMD):c.3745T>G (p.Trp1249Gly)

Gene: DMD (dystrophin; minus strand). Cytogenetic location: Xp21.1.
Variant type: single nucleotide variant.
Coding change: c.3745T>G on transcript NM_004006.3 (MANE Select); coding-DNA position 3745, T replaced by G.
Protein change: p.Trp1249Gly; replaces tryptophan 1249 with glycine.
Molecular consequence: missense variant.
Genome position (GRCh38, 1-based): chrX:32,448,497, A>C on the plus strand (T>G on the coding strand, the complement: DMD is on the minus strand). VCF-style: chrX-32448497-A-C. GRCh37 (hg19) VCF-style: chrX-32466614-A-C.
Other names: c.3721T>G, p.Trp1241Gly (NM_000109.4); c.3733T>G, p.Trp1245Gly (NM_004009.3); c.3376T>G, p.Trp1126Gly (NM_004010.3); short protein forms W1126G, W1245G, W1241G, W1249G.
Identifiers: ClinVar variation 3634834 (VCV003634834.3).